The following is an entry in ClinVar:

NM_002890.3(RASA1):c.1888G>A (p.Ala630Thr)

Genes: CCNH (cyclin H; minus strand), RASA1 (RAS p21 protein activator 1; plus strand). Cytogenetic location: 5q14.3.
Variant type: single nucleotide variant.
Coding change: c.1888G>A on transcript NM_002890.3 (MANE Select); coding-DNA position 1888, G replaced by A.
Protein change: p.Ala630Thr; replaces alanine 630 with threonine.
Molecular consequence: missense variant. On other transcripts: intron variant (1).
Genome position (GRCh38, 1-based): chr5:87,374,274, G>A. VCF-style: chr5-87374274-G-A. GRCh37 (hg19) VCF-style: chr5-86670091-G-A.
Other names: c.1357G>A, p.Ala453Thr (NM_022650.3); c.933+20770C>T (NM_001364075.2); short protein forms A453T, A630T.
Identifiers: ClinVar variation 4720925 (VCV004720925.1).

ClinVar aggregate classification (germline): Uncertain significance (1 of 4 stars; one submission).

Conditions:
Capillary malformation-arteriovenous malformation syndrome. Also called: Capillary malformation-arteriovenous malformation. Identifiers: Orphanet 137667, MedGen C1842180, MONDO:0012016.

Submission:

Labcorp Genetics (formerly Invitae), Labcorp
Classification: Uncertain significance for Capillary malformation-arteriovenous malformation syndrome. Last evaluated: 2025-06-07. Review status: criteria provided, single submitter. Criteria: Invitae Variant Classification Sherloc (09022015). Collection method: clinical testing. Allele origin: germline.
Comment: This sequence change replaces alanine, which is neutral and non-polar, with threonine, which is neutral and polar, at codon 630 of the RASA1 protein (p.Ala630Thr). This variant is not present in population databases (gnomAD no frequency). This variant has not been reported in the literature in individuals affected with RASA1-related conditions. An algorithm developed to predict the effect of missense changes on protein structure and function (PolyPhen-2) suggests that this variant is likely to be tolerated. In summary, the available evidence is currently insufficient to determine the role of this variant in disease. Therefore, it has been classified as a Variant of Uncertain Significance.